The following is an entry in ClinVar:

ClinVar aggregate classification (germline): Uncertain significance (1 of 4 stars; one submission).

gnomAD v4.1: 1 of 1,613,824 alleles (0.000062%); highest among the groups gnomAD compares: South Asian, 0.0011%; no homozygotes.

Submission:

CeGaT Center for Human Genetics Tuebingen
Classification: Uncertain significance. Last evaluated: 2022-12-01. Review status: criteria provided, single submitter. Criteria: CeGaT Center For Human Genetics Tuebingen Variant Classification Criteria Version 2. Collection method: clinical testing. Allele origin: germline. Affected: yes. Observed: 1 variant allele.
Comment: KMT2C: PM2, BP4

NM_170606.3(KMT2C):c.2117G>A (p.Ser706Asn)

Gene: KMT2C (lysine methyltransferase 2C; minus strand). Cytogenetic location: 7q36.1.
Variant type: single nucleotide variant.
Coding change: c.2117G>A on transcript NM_170606.3 (MANE Select); coding-DNA position 2117, G replaced by A.
Protein change: p.Ser706Asn; replaces serine 706 with asparagine.
Molecular consequence: missense variant.
Genome position (GRCh38, 1-based): chr7:152,248,317, C>T on the plus strand (G>A on the coding strand, the complement: KMT2C is on the minus strand). VCF-style: chr7-152248317-C-T. GRCh37 (hg19) VCF-style: chr7-151945402-C-T.
Other names: short protein forms S706N.
Identifiers: ClinVar variation 2658237 (VCV002658237.24), dbSNP rs1243402723, ClinGen allele CA370080568.